The following is an entry in ClinVar:

ClinVar aggregate classification (germline): Uncertain significance (1 of 4 stars; one submission).

Conditions:
Alstrom syndrome (ALMS). Identifiers: Orphanet 64, MedGen C0268425, MONDO:0008763, OMIM 203800.

Submission:

Labcorp Genetics (formerly Invitae), Labcorp
Classification: Uncertain significance for Alstrom syndrome. Last evaluated: 2023-08-04. Review status: criteria provided, single submitter. Criteria: Invitae Variant Classification Sherloc (09022015). Collection method: clinical testing. Allele origin: germline.
Comment: This sequence change replaces histidine, which is basic and polar, with tyrosine, which is neutral and polar, at codon 2698 of the ALMS1 protein (p.His2698Tyr). This variant is not present in population databases (gnomAD no frequency). This variant has not been reported in the literature in individuals affected with ALMS1-related conditions. ClinVar contains an entry for this variant (Variation ID: 1395288). Experimental studies and prediction algorithms are not available or were not evaluated, and the functional significance of this variant is currently unknown. In summary, the available evidence is currently insufficient to determine the role of this variant in disease. Therefore, it has been classified as a Variant of Uncertain Significance.

NM_001378454.1(ALMS1):c.8089C>T (p.His2697Tyr)

Gene: ALMS1 (ALMS1 centrosome and basal body associated protein; plus strand). Cytogenetic location: 2p13.1.
Variant type: single nucleotide variant.
Coding change: c.8089C>T on transcript NM_001378454.1 (MANE Select); coding-DNA position 8089, C replaced by T.
Protein change: p.His2697Tyr; replaces histidine 2697 with tyrosine.
Molecular consequence: missense variant.
Genome position (GRCh38, 1-based): chr2:73,490,048, C>T. VCF-style: chr2-73490048-C-T. GRCh37 (hg19) VCF-style: chr2-73717175-C-T.
Other names: c.8092C>T, p.His2698Tyr (NM_015120.4); short protein forms H2697Y, H2698Y.
Identifiers: ClinVar variation 1395288 (VCV001395288.6), dbSNP rs956487104, ClinGen allele CA50378010.